The following is an entry in ClinVar:

ClinVar aggregate classification (germline): Uncertain significance (1 of 4 stars; one submission).

Conditions:
Alstrom syndrome (ALMS). Identifiers: Orphanet 64, MedGen C0268425, MONDO:0008763, OMIM 203800.

gnomAD v4.1: 1 of 1,613,804 alleles (0.000062%); highest among the groups gnomAD compares: Non-Finnish European, 0.000085%; no homozygotes.

Submission:

Labcorp Genetics (formerly Invitae), Labcorp
Classification: Uncertain significance for Alstrom syndrome. Last evaluated: 2022-07-01. Review status: criteria provided, single submitter. Criteria: Invitae Variant Classification Sherloc (09022015). Collection method: clinical testing. Allele origin: germline.
Comment: This sequence change replaces glycine, which is neutral and non-polar, with valine, which is neutral and non-polar, at codon 1480 of the ALMS1 protein (p.Gly1480Val). This variant is not present in population databases (gnomAD no frequency). This variant has not been reported in the literature in individuals affected with ALMS1-related conditions. Experimental studies and prediction algorithms are not available or were not evaluated, and the functional significance of this variant is currently unknown. In summary, the available evidence is currently insufficient to determine the role of this variant in disease. Therefore, it has been classified as a Variant of Uncertain Significance.

NM_001378454.1(ALMS1):c.4436G>T (p.Gly1479Val)

Gene: ALMS1 (ALMS1 centrosome and basal body associated protein; plus strand). Cytogenetic location: 2p13.1.
Variant type: single nucleotide variant.
Coding change: c.4436G>T on transcript NM_001378454.1 (MANE Select); coding-DNA position 4436, G replaced by T.
Protein change: p.Gly1479Val; replaces glycine 1479 with valine.
Molecular consequence: missense variant.
Genome position (GRCh38, 1-based): chr2:73,450,963, G>T. VCF-style: chr2-73450963-G-T. GRCh37 (hg19) VCF-style: chr2-73678090-G-T.
Other names: c.4439G>T, p.Gly1480Val (NM_015120.4); short protein forms G1479V, G1480V.
Identifiers: ClinVar variation 2156612 (VCV002156612.1), dbSNP rs756575234, ClinGen allele CA347278530.
Genomic context (GRCh38, chr2:73,450,963, plus strand): 5'-CTGGACCAGTTGACCAGACGATTGGCACACCAACTGTAACCTCCCCTTCCAGCTCATTTG[G>T]AGAGAAGCCCATTGTTATCTACAAACAGGCCTTTCCAGAGGGTCATCTACCTGAAGAGTC-3'
Protein context (NP_001365383.1, residues 1469-1489): PTVTSPSSSF[Gly1479Val]EKPIVIYKQA